The following is an entry in ClinVar:

ClinVar aggregate classification (germline): Uncertain significance (1 of 4 stars; one submission).

Conditions:
Aicardi-Goutieres syndrome 4. Identifiers: Orphanet 51, MedGen C1835912, MONDO:0012472, OMIM 610333.

Submission:

Labcorp Genetics (formerly Invitae), Labcorp
Classification: Uncertain significance for Aicardi-Goutieres syndrome 4. Last evaluated: 2022-02-10. Review status: criteria provided, single submitter. Criteria: Invitae Variant Classification Sherloc (09022015). Collection method: clinical testing. Allele origin: germline.
Comment: In summary, the available evidence is currently insufficient to determine the role of this variant in disease. Therefore, it has been classified as a Variant of Uncertain Significance. Algorithms developed to predict the effect of missense changes on protein structure and function are either unavailable or do not agree on the potential impact of this missense change (SIFT: "Tolerated"; PolyPhen-2: "Probably Damaging"; Align-GVGD: "Class C0"). This variant has not been reported in the literature in individuals affected with RNASEH2A-related conditions. This variant is not present in population databases (gnomAD no frequency). This sequence change replaces arginine, which is basic and polar, with lysine, which is basic and polar, at codon 38 of the RNASEH2A protein (p.Arg38Lys).

NM_006397.3(RNASEH2A):c.113G>A (p.Arg38Lys)

Genes: RNASEH2A (ribonuclease H2 subunit A; plus strand), LOC117038795 (CRISPRi-FlowFISH-validated PRDX2 regulatory element 4; plus strand). Cytogenetic location: 19p13.13.
Variant type: single nucleotide variant.
Coding change: c.113G>A on transcript NM_006397.3 (MANE Select); coding-DNA position 113, G replaced by A.
Protein change: p.Arg38Lys; replaces arginine 38 with lysine.
Molecular consequence: missense variant.
Genome position (GRCh38, 1-based): chr19:12,806,786, G>A. VCF-style: chr19-12806786-G-A. GRCh37 (hg19) VCF-style: chr19-12917600-G-A.
Other names: short protein forms R38K.
Identifiers: ClinVar variation 1488430 (VCV001488430.8), dbSNP rs2145824177, ClinGen allele CA404263561.